The following is an entry in ClinVar:

NM_018292.5(QRSL1):c.649C>T (p.Arg217Cys)

Gene: QRSL1 (glutaminyl-tRNA amidotransferase subunit QRSL1; plus strand). Cytogenetic location: 6q21.
Variant type: single nucleotide variant.
Coding change: c.649C>T on transcript NM_018292.5 (MANE Select); coding-DNA position 649, C replaced by T.
Protein change: p.Arg217Cys; replaces arginine 217 with cysteine.
Molecular consequence: missense variant.
Genome position (GRCh38, 1-based): chr6:106,652,300, C>T. VCF-style: chr6-106652300-C-T. GRCh37 (hg19) VCF-style: chr6-107100175-C-T.
Other names: short protein forms R217C.
Identifiers: ClinVar variation 2069310 (VCV002069310.4), dbSNP rs201077509, ClinGen allele CA3944822.

ClinVar aggregate classification (germline): Uncertain significance (1 of 4 stars; one submission).

Allele frequency attached by ClinVar (database versions not stated): gnomAD exomes 0.00006; TOPMed 0.00001; ExAC 0.00028; gnomAD 0.00001.
gnomAD v4.1: 110 of 1,614,024 alleles (0.0068%); highest among the groups gnomAD compares: Non-Finnish European, 0.006%; no homozygotes.

Submission:

Labcorp Genetics (formerly Invitae), Labcorp
Classification: Uncertain significance. Last evaluated: 2024-10-07. Review status: criteria provided, single submitter. Criteria: Invitae Variant Classification Sherloc (09022015). Collection method: clinical testing. Allele origin: germline.
Comment: This sequence change replaces arginine, which is basic and polar, with cysteine, which is neutral and slightly polar, at codon 217 of the QRSL1 protein (p.Arg217Cys). This variant is present in population databases (rs201077509, gnomAD 0.03%). This variant has not been reported in the literature in individuals affected with QRSL1-related conditions. ClinVar contains an entry for this variant (Variation ID: 2069310). Invitae Evidence Modeling of protein sequence and biophysical properties (such as structural, functional, and spatial information, amino acid conservation, physicochemical variation, residue mobility, and thermodynamic stability) indicates that this missense variant is expected to disrupt QRSL1 protein function with a positive predictive value of 80%. In summary, the available evidence is currently insufficient to determine the role of this variant in disease. Therefore, it has been classified as a Variant of Uncertain Significance.